The following is an entry in ClinVar:

ClinVar aggregate classification (germline): Uncertain significance. Review status: criteria provided, multiple submitters, no conflicts (2 of 4 stars). 2 submissions from 2 submitters: Uncertain significance (2). Last evaluated 2025-09-10.

Conditions:
Brachydactyly-arterial hypertension syndrome. Also called: BILGINTURAN SYNDROME. Identifiers: Orphanet 1276, MedGen C1862170, MONDO:0007211, OMIM 112410.

Allele frequency attached by ClinVar (database versions not stated): ExAC 0.00002; gnomAD 0.00004.
gnomAD v4.1: 30 of 1,613,292 alleles (0.0019%); highest among the groups gnomAD compares: East Asian, 0.018%; no homozygotes.

Submissions (2):

Genomic Medicine Center of Excellence, King Faisal Specialist Hospital and Research Centre
Classification: Uncertain significance for Brachydactyly-arterial hypertension syndrome. Last evaluated: 2025-09-10. Review status: criteria provided, single submitter. Criteria: ACMG Guidelines, 2015. Collection method: clinical testing. Allele origin: germline.

Labcorp Genetics (formerly Invitae), Labcorp
Classification: Uncertain significance. Last evaluated: 2022-11-15. Review status: criteria provided, single submitter. Criteria: Invitae Variant Classification Sherloc (09022015). Collection method: clinical testing. Allele origin: germline.
Comment: In summary, the available evidence is currently insufficient to determine the role of this variant in disease. Therefore, it has been classified as a Variant of Uncertain Significance. Algorithms developed to predict the effect of missense changes on protein structure and function are either unavailable or do not agree on the potential impact of this missense change (SIFT: "Deleterious"; PolyPhen-2: "Probably Damaging"; Align-GVGD: "Class C0"). This variant has not been reported in the literature in individuals affected with PDE3A-related conditions. The frequency data for this variant in the population databases is considered unreliable, as metrics indicate poor data quality at this position in the gnomAD database. This sequence change replaces arginine, which is basic and polar, with histidine, which is basic and polar, at codon 424 of the PDE3A protein (p.Arg424His).

NM_000921.5(PDE3A):c.1271G>A (p.Arg424His)

Gene: PDE3A (phosphodiesterase 3A; plus strand). Cytogenetic location: 12p12.2.
Variant type: single nucleotide variant.
Coding change: c.1271G>A on transcript NM_000921.5 (MANE Select); coding-DNA position 1271, G replaced by A.
Protein change: p.Arg424His; replaces arginine 424 with histidine.
Molecular consequence: missense variant.
Genome position (GRCh38, 1-based): chr12:20,616,231, G>A. VCF-style: chr12-20616231-G-A. GRCh37 (hg19) VCF-style: chr12-20769165-G-A.
Other names: c.305G>A, p.Arg102His (NM_001244683.2, NM_001378409.1); c.1271G>A, p.Arg424His (NM_001378407.1); c.308G>A, p.Arg103His (NM_001378408.1); short protein forms R103H, R102H, R424H.
Identifiers: ClinVar variation 1901609 (VCV001901609.6), dbSNP rs776443526, ClinGen allele CA6473701.